The following is an entry in ClinVar:

ClinVar aggregate classification (germline): Likely pathogenic (1 of 4 stars; one submission).

Submission:

Labcorp Genetics (formerly Invitae), Labcorp
Classification: Likely pathogenic. Last evaluated: 2020-09-02. Review status: criteria provided, single submitter. Criteria: Invitae Variant Classification Sherloc (09022015). Collection method: clinical testing. Allele origin: germline.
Comment: This sequence change results in a premature translational stop signal in the COL4A3 gene (p.Ile1658Lysfs*2). While this is not anticipated to result in nonsense mediated decay, it is expected to disrupt the last 13 amino acids of the COL4A3 protein. This variant is not present in population databases (ExAC no frequency). This variant has not been reported in the literature in individuals with COL4A3-related conditions. This variant disrupts the p.Arg1661 amino acid residue in COL4A3. Other variant(s) that disrupt this residue have been determined to be pathogenic (PMID: 24052634, 26809805, 11134255). This suggests that this residue is clinically significant, and that variants that disrupt this residue are likely to be disease-causing. In summary, the currently available evidence indicates that the variant is pathogenic, but additional data are needed to prove that conclusively. Therefore, this variant has been classified as Likely Pathogenic.

Literature cited by the submitters: PubMed 24052634; PubMed 26809805; PubMed 11134255.

NM_000091.5(COL4A3):c.4973del (p.Ile1658fs)

Genes: COL4A3 (collagen type IV alpha 3 chain; plus strand), MFF-DT (MFF divergent transcript; minus strand). Cytogenetic location: 2q36.3.
Variant type: Deletion.
Coding change: c.4973del on transcript NM_000091.5 (MANE Select); coding-DNA position 4973, one base deleted (T; older notation c.4973delT).
Protein change: p.Ile1658fs; shifts the reading frame from isoleucine 1658.
Molecular consequence: frameshift variant.
Genome position (GRCh38, 1-based): chr2:227,311,830, T deleted. VCF-style (leftmost placement, unchanged base first): chr2-227311829-AT-A. GRCh37 (hg19) VCF-style: chr2-228176545-AT-A.
Other names: short protein forms I1658fs.
Identifiers: ClinVar variation 1067407 (VCV001067407.9), dbSNP rs2106297951, ClinGen allele CA2499215759.